The following is an entry in ClinVar:

ClinVar aggregate classification (germline): Uncertain significance (1 of 4 stars; one submission).

Conditions:
Developmental and epileptic encephalopathy, 2 (DEE2). Also called: CDKL5 deficiency disorder; INFANTILE SPASM SYNDROME, X-LINKED 2. Identifiers: Orphanet 1934, Orphanet 3451, Orphanet 505652, MedGen C4750718, MONDO:0010396, OMIM 300672.
Angelman syndrome-like. Identifiers: MedGen CN128785.

Submission:

Labcorp Genetics (formerly Invitae), Labcorp
Classification: Uncertain significance for Developmental and epileptic encephalopathy, 2; Angelman syndrome-like. Last evaluated: 2024-08-18. Review status: criteria provided, single submitter. Criteria: Invitae Variant Classification Sherloc (09022015). Collection method: clinical testing. Allele origin: germline.
Comment: This sequence change replaces glutamine, which is neutral and polar, with histidine, which is basic and polar, at codon 902 of the CDKL5 protein (p.Gln902His). This variant is not present in population databases (gnomAD no frequency). This variant has not been reported in the literature in individuals affected with CDKL5-related conditions. Invitae Evidence Modeling of protein sequence and biophysical properties (such as structural, functional, and spatial information, amino acid conservation, physicochemical variation, residue mobility, and thermodynamic stability) indicates that this missense variant is not expected to disrupt CDKL5 protein function with a negative predictive value of 95%. In summary, the available evidence is currently insufficient to determine the role of this variant in disease. Therefore, it has been classified as a Variant of Uncertain Significance.

NM_001323289.2(CDKL5):c.2706G>C (p.Gln902His)

Gene: CDKL5 (cyclin dependent kinase like 5; plus strand). Cytogenetic location: Xp22.13.
Variant type: single nucleotide variant.
Coding change: c.2706G>C on transcript NM_001323289.2 (MANE Select); coding-DNA position 2706, G replaced by C.
Protein change: p.Gln902His; replaces glutamine 902 with histidine.
Molecular consequence: missense variant.
Genome position (GRCh38, 1-based): chrX:18,628,580, G>C. VCF-style: chrX-18628580-G-C. GRCh37 (hg19) VCF-style: chrX-18646700-G-C.
Other names: c.2706G>C, p.Gln902His (NM_001037343.2, NM_003159.3); short protein forms Q902H.
Identifiers: ClinVar variation 3753780 (VCV003753780.2).